The following is an entry in ClinVar:

NM_000612.6(IGF2):c.380G>T (p.Arg127Leu)

Genes: IGF2 (insulin like growth factor 2; minus strand), INS-IGF2 (INS-IGF2 readthrough; minus strand). Cytogenetic location: 11p15.5.
Variant type: single nucleotide variant.
Coding change: c.380G>T on transcript NM_000612.6 (MANE Select); coding-DNA position 380, G replaced by T.
Protein change: p.Arg127Leu; replaces arginine 127 with leucine.
Molecular consequence: missense variant. On other transcripts: non-coding transcript variant (1).
Genome position (GRCh38, 1-based): chr11:2,133,150, C>A on the plus strand (G>T on the coding strand, the complement: IGF2 is on the minus strand). VCF-style: chr11-2133150-C-A. GRCh37 (hg19) VCF-style: chr11-2154380-C-A.
Other names: c.380G>T, p.Arg127Leu (NM_001007139.6, NM_001291861.3, NM_001291862.3); c.548G>T, p.Arg183Leu (NM_001127598.3); short protein forms R183L, R127L.
Identifiers: ClinVar variation 647387 (VCV000647387.10), dbSNP rs1191719522, ClinGen allele CA379113249.

ClinVar aggregate classification (germline): Uncertain significance (1 of 4 stars; one submission).

Allele frequency attached by ClinVar (database versions not stated): gnomAD exomes below 0.00001; TOPMed below 0.00001; gnomAD 0.00001.
gnomAD v4.1: 18 of 1,600,890 alleles (0.0011%); highest among the groups gnomAD compares: East Asian, 0.025%; no homozygotes.

Submission:

Labcorp Genetics (formerly Invitae), Labcorp
Classification: Uncertain significance. Last evaluated: 2019-01-03. Review status: criteria provided, single submitter. Criteria: Invitae Variant Classification Sherloc (09022015). Collection method: clinical testing. Allele origin: germline.
Comment: In summary, the available evidence is currently insufficient to determine the role of this variant in disease. Therefore, it has been classified as a Variant of Uncertain Significance. Algorithms developed to predict the effect of missense changes on protein structure and function are either unavailable or do not agree on the potential impact of this missense change (SIFT: "Deleterious"; PolyPhen-2: "Probably Damaging"; Align-GVGD: "Class C0"). This variant has not been reported in the literature in individuals with IGF2-related disease. This variant is not present in population databases (ExAC no frequency). This sequence change replaces arginine with leucine at codon 127 of the IGF2 protein (p.Arg127Leu). The arginine residue is highly conserved and there is a moderate physicochemical difference between arginine and leucine.